The following is an entry in ClinVar:

ClinVar aggregate classification (germline): Uncertain significance. Review status: criteria provided, multiple submitters, no conflicts (2 of 4 stars). 2 submissions from 2 submitters: Uncertain significance (2). Last evaluated 2025-06-30.

Conditions:
Inborn genetic diseases. Identifiers: MedGen C0950123, MeSH D030342.
Werner syndrome (WRN). Identifiers: Orphanet 902, MedGen C0043119, MONDO:0010196, OMIM 277700.

Allele frequency attached by ClinVar (database versions not stated): gnomAD exomes below 0.00001 and 0.00001; gnomAD 0.00004; TOPMed 0.00009.
gnomAD v4.1: 10 of 1,569,346 alleles (0.00064%); highest among the groups gnomAD compares: Admixed American, 0.012%; no homozygotes.

Submissions (2):

Ambry Genetics
Classification: Uncertain significance for Inborn genetic diseases. Last evaluated: 2025-06-30. Review status: criteria provided, single submitter. Criteria: Ambry Variant Classification Scheme 2023. Collection method: clinical testing. Allele origin: germline.

Labcorp Genetics (formerly Invitae), Labcorp
Classification: Uncertain significance for Werner syndrome. Last evaluated: 2024-11-18. Review status: criteria provided, single submitter. Criteria: Invitae Variant Classification Sherloc (09022015). Collection method: clinical testing. Allele origin: germline.
Comment: This sequence change replaces glutamic acid, which is acidic and polar, with lysine, which is basic and polar, at codon 507 of the WRN protein (p.Glu507Lys). This variant is present in population databases (no rsID available, gnomAD 0.007%). This variant has not been reported in the literature in individuals affected with WRN-related conditions. ClinVar contains an entry for this variant (Variation ID: 574892). An algorithm developed to predict the effect of missense changes on protein structure and function (PolyPhen-2) suggests that this variant¬†is likely to be tolerated. In summary, the available evidence is currently insufficient to determine the role of this variant in disease. Therefore, it has been classified as a Variant of Uncertain Significance.

NM_000553.6(WRN):c.1519G>A (p.Glu507Lys)

Gene: WRN (WRN RecQ like helicase; plus strand). Cytogenetic location: 8p12.
Variant type: single nucleotide variant.
Coding change: c.1519G>A on transcript NM_000553.6 (MANE Select); coding-DNA position 1519, G replaced by A.
Protein change: p.Glu507Lys; replaces glutamic acid 507 with lysine.
Molecular consequence: missense variant.
Genome position (GRCh38, 1-based): chr8:31,087,863, G>A. VCF-style: chr8-31087863-G-A. GRCh37 (hg19) VCF-style: chr8-30945379-G-A.
Other names: short protein forms E507K.
Identifiers: ClinVar variation 574892 (VCV000574892.8), dbSNP rs1408863821, ClinGen allele CA370924573.
Genomic context (GRCh38, chr8:31,087,863, plus strand): 5'-GTAGAACCAACTCATTCTAAATGCTTAAAAATGGAAAGAAATCTGGGTCTTCCTACTAAA[G>A]AAGAAGAAGAAGATGATGAAAATGAAGCTAATGAAGGGGAAGAAGATGATGATAAGGGTA-3'
Protein context (NP_000544.2, residues 497-517): MERNLGLPTK[Glu507Lys]EEEDDENEAN